The following is an entry in ClinVar:

ClinVar aggregate classification (germline): Pathogenic/Likely pathogenic. Review status: criteria provided, multiple submitters, no conflicts (2 of 4 stars). 3 submissions from 3 submitters: Pathogenic (1); Likely pathogenic (2). Last evaluated 2024-03-14.

Conditions:
Trichothiodystrophy 2, photosensitive (TTD2). Identifiers: Orphanet 33364, MedGen C4225344, MONDO:0014615, OMIM 616390.
Xeroderma pigmentosum group B. Also called: ERCC3-Related Xeroderma Pigmentosum; XP, GROUP B; XPB/CS; XERODERMA PIGMENTOSUM B/COCKAYNE SYNDROME. Identifiers: MedGen C0268136, MONDO:0012531, OMIM 610651.

Allele frequency attached by ClinVar (database versions not stated): gnomAD 0.00001; TOPMed 0.00002.
gnomAD v4.1: 4 of 1,613,958 alleles (0.00025%); highest among the groups gnomAD compares: South Asian, 0.0011%; no homozygotes.

Submissions (3):

Fulgent Genetics
Classification: Likely pathogenic for Xeroderma pigmentosum group B; Trichothiodystrophy 2, photosensitive. Last evaluated: 2024-03-14. Review status: criteria provided, single submitter. Criteria: ACMG Guidelines, 2015. Collection method: clinical testing. Allele origin: germline.

Labcorp Genetics (formerly Invitae), Labcorp
Classification: Pathogenic. Last evaluated: 2023-09-06. Review status: criteria provided, single submitter. Criteria: Invitae Variant Classification Sherloc (09022015). Collection method: clinical testing. Allele origin: germline.
Comment: For these reasons, this variant has been classified as Pathogenic. ClinVar contains an entry for this variant (Variation ID: 808798). This variant has not been reported in the literature in individuals affected with ERCC3-related conditions. This variant is present in population databases (no rsID available, gnomAD 0.007%). This sequence change creates a premature translational stop signal (p.Arg530*) in the ERCC3 gene. It is expected to result in an absent or disrupted protein product. Loss-of-function variants in ERCC3 are known to be pathogenic (PMID: 16947863).

CeGaT Center for Human Genetics Tuebingen
Classification: Likely pathogenic. Last evaluated: 2019-05-01. Review status: criteria provided, single submitter. Criteria: CeGaT Center For Human Genetics Tuebingen Variant Classification Criteria Version 2. Collection method: clinical testing. Allele origin: germline. Affected: yes. Observed: 2 variant alleles.

Literature cited by the submitters: PubMed 16947863 (cited by Labcorp Genetics (formerly Invitae), Labcorp).

NM_000122.2(ERCC3):c.1588C>T (p.Arg530Ter)

Gene: ERCC3 (ERCC excision repair 3, TFIIH core complex helicase subunit; minus strand). Cytogenetic location: 2q14.3.
Variant type: single nucleotide variant.
Coding change: c.1588C>T on transcript NM_000122.2 (MANE Select); coding-DNA position 1588, C replaced by T.
Protein change: p.Arg530Ter; replaces arginine 530 with a stop codon.
Molecular consequence: nonsense.
Genome position (GRCh38, 1-based): chr2:127,279,315, G>A on the plus strand (C>T on the coding strand, the complement: ERCC3 is on the minus strand). VCF-style: chr2-127279315-G-A. GRCh37 (hg19) VCF-style: chr2-128036891-G-A.
Other names: c.1396C>T, p.Arg466Ter (NM_001303416.2, NM_001303418.2); short protein forms R466*, R530*.
Identifiers: ClinVar variation 808798 (VCV000808798.46), dbSNP rs1302552127, ClinGen allele CA348388639.
Genomic context (GRCh38, chr2:127,279,315, plus strand): 5'-ACTTGATCAGAAACTGGCAAGCTCTAAATTTGTTGGGGTTCATGGTGTACAGCAAGATTC[G>A]TTTCTTGGTTTTGATTGCCACATATTCCCGGTAAAATTCAGGAGACATAGGGCACCAGAC-3'